The following is an entry in ClinVar:

ClinVar aggregate classification (germline): Uncertain significance (1 of 4 stars; one submission).

Conditions:
Ullrich congenital muscular dystrophy 2 (UCMD2). Identifiers: Orphanet 75840, MedGen C4225314, MONDO:0014654, OMIM 616470.
Bethlem myopathy 2 (BTHLM2). Identifiers: Orphanet 536516, Orphanet 610, MedGen C4225313, MONDO:0034022, OMIM 616471.

Submission:

Labcorp Genetics (formerly Invitae), Labcorp
Classification: Uncertain significance for Bethlem myopathy 2; Ullrich congenital muscular dystrophy 2. Last evaluated: 2025-12-16. Review status: criteria provided, single submitter. Criteria: Invitae Variant Classification Sherloc (09022015). Collection method: clinical testing. Allele origin: germline.
Comment: This sequence change replaces alanine, which is neutral and non-polar, with threonine, which is neutral and polar, at codon 1359 of the COL12A1 protein (p.Ala1359Thr). This variant is not present in population databases (gnomAD no frequency). This variant has not been reported in the literature in individuals affected with COL12A1-related conditions. Invitae Evidence Modeling of protein sequence and biophysical properties (such as structural, functional, and spatial information, amino acid conservation, physicochemical variation, residue mobility, and thermodynamic stability) indicates that this missense variant is not expected to disrupt COL12A1 protein function with a negative predictive value of 80%. In summary, the available evidence is currently insufficient to determine the role of this variant in disease. Therefore, it has been classified as a Variant of Uncertain Significance.

NM_004370.6(COL12A1):c.4075G>A (p.Ala1359Thr)

Gene: COL12A1 (collagen type XII alpha 1 chain; minus strand). Cytogenetic location: 6q13.
Variant type: single nucleotide variant.
Coding change: c.4075G>A on transcript NM_004370.6 (MANE Select); coding-DNA position 4075, G replaced by A.
Protein change: p.Ala1359Thr; replaces alanine 1359 with threonine.
Molecular consequence: missense variant.
Genome position (GRCh38, 1-based): chr6:75,151,213, C>T on the plus strand (G>A on the coding strand, the complement: COL12A1 is on the minus strand). VCF-style: chr6-75151213-C-T. GRCh37 (hg19) VCF-style: chr6-75860929-C-T.
Other names: c.4075G>A, p.Ala1359Thr (NM_001424113.1, NM_001424114.1); c.3802G>A, p.Ala1268Thr (NM_001424115.1); c.583G>A, p.Ala195Thr (NM_001424116.1, NM_080645.3); short protein forms A1359T, A1268T, A195T.
Identifiers: ClinVar variation 4793473 (VCV004793473.1).